The following is an entry in ClinVar:

NM_016169.4(SUFU):c.1157G>A (p.Arg386Lys)

Gene: SUFU (SUFU negative regulator of hedgehog signaling; plus strand). Cytogenetic location: 10q24.32.
Variant type: single nucleotide variant.
Coding change: c.1157G>A on transcript NM_016169.4 (MANE Select); coding-DNA position 1157, G replaced by A.
Protein change: p.Arg386Lys; replaces arginine 386 with lysine.
Molecular consequence: missense variant.
Genome position (GRCh38, 1-based): chr10:102,615,402, G>A. VCF-style: chr10-102615402-G-A. GRCh37 (hg19) VCF-style: chr10-104375159-G-A.
Other names: c.1157G>A, p.Arg386Lys (NM_001178133.2); short protein forms R386K.
Identifiers: ClinVar variation 662350 (VCV000662350.11), dbSNP rs767814106, ClinGen allele CA5667878.
Genomic context (GRCh38, chr10:102,615,402, plus strand): 5'-TTGAGAGCGTACATCTGAAATTCAACCAGGAGTCCGGAGCCCTCATTCCTCTCTGCCTAA[G>A]GTGAGCGAGACAGCCCTGCCACACAGTTTACCCCACAGCACCCAGCTCAGCCTCCAGGGG-3'
Protein context (NP_057253.2, residues 376-396): ESGALIPLCL[Arg386Lys]GRLLHGRHFT

ClinVar aggregate classification (germline): Uncertain significance. Review status: criteria provided, multiple submitters, no conflicts (2 of 4 stars). 3 submissions from 3 submitters: Uncertain significance (3). Last evaluated 2025-09-28.

Conditions:
Medulloblastoma (MDB). Also called: Medulloblastoma, somatic; MEDULLOBLASTOMA PREDISPOSITION SYNDROME. Identifiers: Orphanet 616, MedGen C0025149, MeSH D008527, MONDO:0007959, OMIM 155255, HP:0002885.
Familial meningioma. Also called: Meningioma, familial, susceptibility to. Identifiers: Orphanet 263662, MedGen C3551915, MONDO:0011789, OMIM 607174.
Basal cell nevus syndrome 2 (BCNS2). Also called: NEVOID BASAL CELL CARCINOMA SYNDROME 2. Identifiers: MedGen C5830451, MONDO:0958189, OMIM 620343.
Joubert syndrome 32 (JBTS32). Identifiers: MedGen C4540342, MONDO:0033309, OMIM 617757.
Gorlin syndrome. Also called: Nevoid Basal Cell Carcinoma Syndrome; Basal cell nevus syndrome. Identifiers: Orphanet 377, MedGen C0004779, MONDO:0007187.
Hereditary cancer-predisposing syndrome. Also called: Neoplastic Syndromes, Hereditary; Hereditary neoplastic syndrome; Tumor predisposition; Hereditary Cancer Syndrome. Identifiers: Orphanet 140162, MedGen C0027672, MeSH D009386, MONDO:0015356.

Allele frequency attached by ClinVar (database versions not stated): ExAC 0.00001; gnomAD exomes 0.00001; TOPMed 0.00001.
gnomAD v4.1: 7 of 1,613,860 alleles (0.00043%); highest among the groups gnomAD compares: South Asian, 0.0055%; 1 homozygote.

Submissions (3):

Labcorp Genetics (formerly Invitae), Labcorp
Classification: Uncertain significance for Gorlin syndrome; Medulloblastoma. Last evaluated: 2025-09-28. Review status: criteria provided, single submitter. Criteria: Invitae Variant Classification Sherloc (09022015). Collection method: clinical testing. Allele origin: germline.
Comment: This sequence change replaces arginine, which is basic and polar, with lysine, which is basic and polar, at codon 386 of the SUFU protein (p.Arg386Lys). This variant also falls at the last nucleotide of exon 9, which is part of the consensus splice site for this exon. This variant is present in population databases (rs767814106, gnomAD 0.006%). This variant has not been reported in the literature in individuals affected with SUFU-related conditions. ClinVar contains an entry for this variant (Variation ID: 662350). An algorithm developed to predict the effect of missense changes on protein structure and function (PolyPhen-2) suggests that this variant is likely to be tolerated. Variants that disrupt the consensus splice site are a relatively common cause of aberrant splicing (PMID: 17576681, 9536098). RNA analysis performed to evaluate the impact of this missense change on mRNA splicing indicates it does not significantly alter splicing (internal data). In summary, the available evidence is currently insufficient to determine the role of this variant in disease. Therefore, it has been classified as a Variant of Uncertain Significance.

Fulgent Genetics
Classification: Uncertain significance for Medulloblastoma; Familial meningioma; Joubert syndrome 32; Basal cell nevus syndrome 2. Last evaluated: 2024-03-06. Review status: criteria provided, single submitter. Criteria: ACMG Guidelines, 2015. Collection method: clinical testing. Allele origin: germline.

Ambry Genetics
Classification: Uncertain significance for Hereditary cancer-predisposing syndrome. Last evaluated: 2023-10-17. Review status: criteria provided, single submitter. Criteria: Ambry Variant Classification Scheme 2023. Collection method: clinical testing. Allele origin: germline.
Comment: The p.R386K variant (also known as c.1157G>A), located in coding exon 9 of the SUFU gene, results from a G to A substitution at nucleotide position 1157. The amino acid change results in arginine to lysine at codon 386, an amino acid with highly similar properties. However, this change occurs in the last base pair of coding exon 9, which makes it likely to have some effect on normal mRNA splicing. This nucleotide position is highly conserved in available vertebrate species. In silico splice site analysis predicts that this alteration will not have any significant effect on splicing. This amino acid position is highly conserved in available vertebrate species. In addition, as a missense substitution this is predicted to be tolerated by in silico analysis. Since supporting evidence is limited at this time, the clinical significance of this alteration remains unclear.

Literature cited by the submitters: PubMed 17576681 (cited by Labcorp Genetics (formerly Invitae), Labcorp); PubMed 9536098 (cited by Labcorp Genetics (formerly Invitae), Labcorp).